The following is an entry in ClinVar:

NM_000905.4(NPY):c.287T>C (p.Met96Thr)

Gene: NPY (neuropeptide Y; plus strand). Cytogenetic location: 7p15.3.
Variant type: single nucleotide variant.
Coding change: c.287T>C on transcript NM_000905.4 (MANE Select); coding-DNA position 287, T replaced by C.
Protein change: p.Met96Thr; replaces methionine 96 with threonine.
Molecular consequence: missense variant.
Genome position (GRCh38, 1-based): chr7:24,291,680, T>C. VCF-style: chr7-24291680-T-C. GRCh37 (hg19) VCF-style: chr7-24331299-T-C.
Other names: short protein forms M96T.
Identifiers: ClinVar variation 3201831 (VCV003201831.3), dbSNP rs201695450, ClinGen allele CA4190814.

ClinVar aggregate classification (germline): Uncertain significance. Review status: criteria provided, multiple submitters, no conflicts (2 of 4 stars). 2 submissions from 2 submitters: Uncertain significance (2). Last evaluated 2025-01-28.

Allele frequency attached by ClinVar (database versions not stated): ESP Exome Variant Server 0.00015; ExAC 0.00018; gnomAD 0.00020; TOPMed 0.00023; gnomAD exomes 0.00034.
gnomAD v4.1: 531 of 1,614,002 alleles (0.033%); highest among the groups gnomAD compares: Non-Finnish European, 0.043%; no homozygotes.

Submissions (2):

Labcorp Genetics (formerly Invitae), Labcorp
Classification: Uncertain significance. Last evaluated: 2025-01-28. Review status: criteria provided, single submitter. Criteria: Invitae Variant Classification Sherloc (09022015). Collection method: clinical testing. Allele origin: germline.
Comment: This sequence change replaces methionine, which is neutral and non-polar, with threonine, which is neutral and polar, at codon 96 of the NPY protein (p.Met96Thr). This variant is present in population databases (rs201695450, gnomAD 0.03%). This variant has not been reported in the literature in individuals affected with NPY-related conditions. ClinVar contains an entry for this variant (Variation ID: 3201831). An algorithm developed to predict the effect of missense changes on protein structure and function (PolyPhen-2) suggests that this variant is likely to be tolerated. In summary, the available evidence is currently insufficient to determine the role of this variant in disease. Therefore, it has been classified as a Variant of Uncertain Significance.

Ambry Genetics
Classification: Uncertain significance. Last evaluated: 2021-07-13. Review status: criteria provided, single submitter. Criteria: Ambry Variant Classification Scheme 2023. Collection method: clinical testing. Allele origin: germline.